The following is an entry in ClinVar:

NM_002439.5(MSH3):c.554A>T (p.Asp185Val)

Gene: MSH3 (mutS homolog 3; plus strand). Cytogenetic location: 5q14.1.
Variant type: single nucleotide variant.
Coding change: c.554A>T on transcript NM_002439.5 (MANE Select); coding-DNA position 554, A replaced by T.
Protein change: p.Asp185Val; replaces aspartic acid 185 with valine.
Molecular consequence: missense variant.
Genome position (GRCh38, 1-based): chr5:80,665,338, A>T. VCF-style: chr5-80665338-A-T. GRCh37 (hg19) VCF-style: chr5-79961157-A-T.
Other names: short protein forms D185V.
Identifiers: ClinVar variation 962922 (VCV000962922.12), dbSNP rs144012714, ClinGen allele CA360264516.

ClinVar aggregate classification (germline): Uncertain significance. Review status: criteria provided, multiple submitters, no conflicts (2 of 4 stars). 2 submissions from 2 submitters: Uncertain significance (2). Last evaluated 2020-02-11.

Conditions:
Hereditary cancer-predisposing syndrome. Also called: Tumor predisposition; Hereditary neoplastic syndrome; Hereditary Cancer Syndrome; Neoplastic Syndromes, Hereditary. Identifiers: Orphanet 140162, MedGen C0027672, MeSH D009386, MONDO:0015356.

Submissions (2):

Ambry Genetics
Classification: Uncertain significance for Hereditary cancer-predisposing syndrome. Last evaluated: 2020-02-11. Review status: criteria provided, single submitter. Criteria: Ambry Variant Classification Scheme 2023. Collection method: clinical testing. Allele origin: germline.
Comment: The p.D185V variant (also known as c.554A>T), located in coding exon 3 of the MSH3 gene, results from an A to T substitution at nucleotide position 554. The aspartic acid at codon 185 is replaced by valine, an amino acid with highly dissimilar properties. This amino acid position is well conserved in available vertebrate species. In addition, the in silico prediction for this alteration is inconclusive. Since supporting evidence is limited at this time, the clinical significance of this alteration remains unclear.

Labcorp Genetics (formerly Invitae), Labcorp
Classification: Uncertain significance. Last evaluated: 2019-07-26. Review status: criteria provided, single submitter. Criteria: Invitae Variant Classification Sherloc (09022015). Collection method: clinical testing. Allele origin: germline.
Comment: Algorithms developed to predict the effect of missense changes on protein structure and function are either unavailable or do not agree on the potential impact of this missense change (SIFT: "Deleterious"; PolyPhen-2: "Benign"; Align-GVGD: "Class C0"). This sequence change replaces aspartic acid with valine at codon 185 of the MSH3 protein (p.Asp185Val). The aspartic acid residue is moderately conserved and there is a large physicochemical difference between aspartic acid and valine. This variant is not present in population databases (ExAC no frequency). This variant has not been reported in the literature in individuals with MSH3-related conditions. In summary, the available evidence is currently insufficient to determine the role of this variant in disease. Therefore, it has been classified as a Variant of Uncertain Significance.